The following is an entry in ClinVar:

ClinVar aggregate classification (germline): Benign. Review status: criteria provided, multiple submitters, no conflicts (2 of 4 stars). 3 submissions from 3 submitters: Benign (2). 1 of the submissions does not count toward it. Last evaluated 2026-01-26.

Conditions:
NAA15-related disorder.

Allele frequency attached by ClinVar (database versions not stated): gnomAD exomes 0.00069 and 0.00217; ExAC 0.00241; 1000 Genomes Project 0.00639; 1000 Genomes Project 30x 0.00671; ESP Exome Variant Server 0.00773; gnomAD 0.00825 and 0.00896; TOPMed 0.00921.
gnomAD v4.1: 2,276 of 1,570,946 alleles (0.14%); highest among the groups gnomAD compares: African/African-American, 2.8%; 32 homozygotes.

Submissions (3):

Labcorp Genetics (formerly Invitae), Labcorp
Classification: Benign. Last evaluated: 2026-01-26. Review status: criteria provided, single submitter. Criteria: Invitae Variant Classification Sherloc (09022015). Collection method: clinical testing. Allele origin: germline.

Breakthrough Genomics
Classification: Benign. Review status: criteria provided, single submitter. Criteria: ACMG Guidelines, 2015. Collection method: not provided. Allele origin: germline. Inheritance: Autosomal dominant inheritance. Affected: yes.

PreventionGenetics, part of Exact Sciences
Classification: Benign for NAA15-related condition. Last evaluated: 2020-01-13. Review status: no assertion criteria provided. Collection method: clinical testing. Allele origin: germline. Not counted in ClinVar's aggregate classification.
Comment: This variant is classified as benign based on ACMG/AMP sequence variant interpretation guidelines (Richards et al. 2015 PMID: 25741868, with internal and published modifications).

NM_057175.5(NAA15):c.1944C>T (p.Ala648=)

Gene: NAA15 (N-alpha-acetyltransferase 15, NatA auxiliary subunit; plus strand). Cytogenetic location: 4q31.1.
Variant type: single nucleotide variant.
Coding change: c.1944C>T on transcript NM_057175.5 (MANE Select); coding-DNA position 1944, C replaced by T.
Protein change: p.Ala648=; no amino-acid change (alanine 648 retained).
Molecular consequence: synonymous variant.
Genome position (GRCh38, 1-based): chr4:139,370,401, C>T. VCF-style: chr4-139370401-C-T. GRCh37 (hg19) VCF-style: chr4-140291555-C-T.
Identifiers: ClinVar variation 716110 (VCV000716110.13), dbSNP rs17050748, ClinGen allele CA3083728.
Genomic context (GRCh38, chr4:139,370,401, plus strand): 5'-GGATGATGATGATGAGGAGATAGGAGGTCCAAAAGAAGAACTTATTCCAGAGAAACTGGC[C>T]AAGGTACTTAATAATAGTGTTTAGCACAATTGAGTGACATTTTATGACCAGCTCTTGTCA-3'
Protein context (NP_476516.1, residues 638-658): PKEELIPEKL[Ala648=]KVETPLEEAI